The following is an entry in ClinVar:

ClinVar aggregate classification (germline): Uncertain significance. Review status: criteria provided, multiple submitters, no conflicts (2 of 4 stars). 2 submissions from 2 submitters: Uncertain significance (2). Last evaluated 2023-12-05.

Conditions:
Hereditary cancer-predisposing syndrome. Also called: Neoplastic Syndromes, Hereditary; Hereditary neoplastic syndrome; Tumor predisposition; Hereditary Cancer Syndrome. Identifiers: Orphanet 140162, MedGen C0027672, MeSH D009386, MONDO:0015356.
Fanconi anemia complementation group J. Also called: BRIP1-Related Fanconi Anemia. Identifiers: Orphanet 84, MedGen C1836860, MONDO:0012187, OMIM 609054.

Submissions (2):

Color Diagnostics, LLC DBA Color Health
Classification: Uncertain significance for Hereditary cancer-predisposing syndrome. Last evaluated: 2023-12-05. Review status: criteria provided, single submitter. Criteria: ACMG Guidelines, 2015. Collection method: clinical testing. Allele origin: germline.
Comment: This missense variant replaces threonine with serine at codon 1084 of the BRIP1 protein. Computational prediction suggests that this variant may not impact protein structure and function (internally defined REVEL score threshold <= 0.5, PMID: 27666373). To our knowledge, functional studies have not been reported for this variant. This variant has not been reported in individuals affected with BRIP1-related disorders in the literature. This variant has not been identified in the general population by the Genome Aggregation Database (gnomAD). The available evidence is insufficient to determine the role of this variant in disease conclusively. Therefore, this variant is classified as a Variant of Uncertain Significance.

Illumina Laboratory Services, Illumina
Classification: Uncertain significance for Fanconi anemia complementation group J. Last evaluated: 2018-01-12. Review status: criteria provided, single submitter. Criteria: ICSL Variant Classification Criteria 13 December 2019. Collection method: clinical testing. Allele origin: germline.

NM_032043.3(BRIP1):c.3251C>G (p.Thr1084Ser)

Gene: BRIP1 (BRCA1 interacting DNA helicase 1; minus strand). Cytogenetic location: 17q23.2.
Variant type: single nucleotide variant.
Coding change: c.3251C>G on transcript NM_032043.3 (MANE Select); coding-DNA position 3251, C replaced by G.
Protein change: p.Thr1084Ser; replaces threonine 1084 with serine.
Molecular consequence: missense variant.
Genome position (GRCh38, 1-based): chr17:61,683,795, G>C on the plus strand (C>G on the coding strand, the complement: BRIP1 is on the minus strand). VCF-style: chr17-61683795-G-C. GRCh37 (hg19) VCF-style: chr17-59761156-G-C.
Other names: short protein forms T1084S.
Identifiers: ClinVar variation 324347 (VCV000324347.10), dbSNP rs876660768, ClinGen allele CA10649748.